The following is an entry in ClinVar:

NM_000038.6(APC):c.4695T>C (p.Asp1565=)

Gene: APC (APC regulator of Wnt signaling pathway; plus strand). Cytogenetic location: 5q22.2.
Variant type: single nucleotide variant.
Coding change: c.4695T>C on transcript NM_000038.6 (MANE Select); coding-DNA position 4695, T replaced by C.
Protein change: p.Asp1565=; no amino-acid change (aspartic acid 1565 retained).
Molecular consequence: synonymous variant.
Genome position (GRCh38, 1-based): chr5:112,840,289, T>C. VCF-style: chr5-112840289-T-C. GRCh37 (hg19) VCF-style: chr5-112175986-T-C.
Other names: c.4695T>C, p.Asp1565= (NM_001127510.3, NM_001354895.2); c.4641T>C, p.Asp1547= (NM_001127511.3); c.4749T>C, p.Asp1583= (NM_001354896.2); c.4725T>C, p.Asp1575= (NM_001354897.2); c.4620T>C, p.Asp1540= (NM_001354898.2); c.4611T>C, p.Asp1537= (NM_001354899.2); c.4572T>C, p.Asp1524= (NM_001354900.2); c.4518T>C, p.Asp1506= (NM_001354901.2); and 5 more.
Identifiers: ClinVar variation 825105 (VCV000825105.9), dbSNP rs1561594772, ClinGen allele CA446206677.

ClinVar aggregate classification (germline): Benign/Likely benign. Review status: criteria provided, multiple submitters, no conflicts (2 of 4 stars). 3 submissions from 3 submitters: Benign (1); Likely benign (2). Last evaluated 2024-12-04.

Conditions:
Hereditary cancer-predisposing syndrome. Also called: Neoplastic Syndromes, Hereditary; Tumor predisposition; Hereditary neoplastic syndrome; Hereditary Cancer Syndrome. Identifiers: Orphanet 140162, MedGen C0027672, MeSH D009386, MONDO:0015356.
Familial adenomatous polyposis 1 (FAP1). Also called: POLYPOSIS, ADENOMATOUS INTESTINAL; FAMILIAL ADENOMATOUS POLYPOSIS 1, ATTENUATED. Identifiers: MedGen C2713442, MONDO:0021056, OMIM 175100. Disease mechanism: loss of function.

gnomAD v4.1: 1 of 1,614,114 alleles (0.000062%); no homozygotes.

Submissions (3):

Labcorp Genetics (formerly Invitae), Labcorp
Classification: Likely benign for Familial adenomatous polyposis 1. Last evaluated: 2024-12-04. Review status: criteria provided, single submitter. Criteria: Invitae Variant Classification Sherloc (09022015). Collection method: clinical testing. Allele origin: germline.

Myriad Genetics, Inc.
Classification: Benign for Familial adenomatous polyposis 1. Last evaluated: 2024-03-27. Review status: criteria provided, single submitter. Criteria: Myriad Autosomal Dominant, Autosomal Recessive and X-Linked Classification Criteria (2023). Collection method: clinical testing. Allele origin: unknown.
Comment: This variant is considered benign. This variant is a silent/synonymous amino acid change and it is not expected to impact splicing.

Ambry Genetics
Classification: Likely benign for Hereditary cancer-predisposing syndrome. Last evaluated: 2019-08-06. Review status: criteria provided, single submitter. Criteria: Ambry Variant Classification Scheme 2023. Collection method: clinical testing. Allele origin: germline.